The following is an entry in ClinVar:

ClinVar aggregate classification (germline): Uncertain significance (1 of 4 stars; one submission).

Conditions:
Hereditary cancer-predisposing syndrome. Also called: Hereditary Cancer Syndrome; Hereditary neoplastic syndrome; Neoplastic Syndromes, Hereditary; Tumor predisposition. Identifiers: Orphanet 140162, MedGen C0027672, MeSH D009386, MONDO:0015356.

Allele frequency attached by ClinVar (database versions not stated): gnomAD exomes below 0.00001.
gnomAD v4.1: 3 of 1,597,888 alleles (0.00019%); highest among the groups gnomAD compares: Non-Finnish European, 0.00026%; no homozygotes.

Submission:

Sema4
Classification: Uncertain significance for Hereditary cancer-predisposing syndrome. Last evaluated: 2021-07-13. Review status: criteria provided, single submitter. Criteria: Sema4 Curation Guidelines. Collection method: curation. Allele origin: germline.
Comment: The SDHB c.201-7T>C variant has not been reported in literature to our knowledge. This variant was not observed in the large and broad cohorts of the Genome Aggregation Database (PMID: 32461654). This variant has not been reported in ClinVar. In silico tools that predict the effect of sequence changes on splicing suggest that this variant does not impact splicing, though these predictions have not been confirmed by functional studies. The overall evidence is insufficient to meet ACMG/AMP criteria for classifying it as benign or pathogenic. In summary, the clinical significance of this variant is currently uncertain.

NM_003000.3(SDHB):c.201-7T>C

Gene: SDHB (succinate dehydrogenase complex iron sulfur subunit B; minus strand). Cytogenetic location: 1p36.13.
Variant type: single nucleotide variant.
Coding change: c.201-7T>C on transcript NM_003000.3 (MANE Select); 7 bases into the intron before coding-DNA position 201, T replaced by C.
Molecular consequence: intron variant.
Genome position (GRCh38, 1-based): chr1:17,033,152, A>G on the plus strand (T>C on the coding strand, the complement: SDHB is on the minus strand). VCF-style: chr1-17033152-A-G. GRCh37 (hg19) VCF-style: chr1-17359647-A-G.
Identifiers: ClinVar variation 1692736 (VCV001692736.1), dbSNP rs2078032733, ClinGen allele CA2573130556.
Genomic context (GRCh38, chr1:17,033,152, plus strand): 5'-GAGTCAACTTCATTCTTAATCTTGATTAAAGCATCCAATACCATGGGGCCACATCTAACA[A>G]AGAAAAATATCCAGTGGTATTTATGTAACGTTCAACCTCCCTACACTTTATCATAATATA-3'